The following is an entry in ClinVar:

ClinVar aggregate classification (germline): Likely benign. Review status: criteria provided, multiple submitters, no conflicts (2 of 4 stars). 2 submissions from 2 submitters: Likely benign (2). Last evaluated 2023-11-28.

Conditions:
Familial thoracic aortic aneurysm and aortic dissection (TAAD). Also called: Thoracic aortic aneurysms and dissections. Identifiers: Orphanet 91387, MedGen C4707243, MONDO:0019625.
Ehlers-Danlos syndrome, type 4 (EDSVASC). Also called: Ehlers-Danlos syndrome vascular type; Ehlers Danlos syndrome, ecchymotic type; Ehlers Danlos syndrome, arterial type; Ehlers Danlos syndrome, Sack-Barabas type; Ehlers-Danlos Syndrome Type IV. Identifiers: Orphanet 286, MedGen C0268338, MONDO:0017314, OMIM 130050.

Submissions (2):

All of Us Research Program, National Institutes of Health
Classification: Likely benign for Ehlers-Danlos syndrome, type 4. Last evaluated: 2023-11-28. Review status: criteria provided, single submitter. Criteria: ACMG Guidelines, 2015. Collection method: clinical testing. Allele origin: germline. Inheritance: Autosomal dominant inheritance. Observed: 1 variant allele, 1 heterozygote.
Comment: This study involves interpretation of variants in research participants for the purpose of population health screening. Participant phenotype was not available at the time of variant classification. Additional details can be found in publication PMID: 35346344, PMCID: PMC8962531

Color Diagnostics, LLC DBA Color Health
Classification: Likely benign for Familial thoracic aortic aneurysm and aortic dissection. Last evaluated: 2020-11-23. Review status: criteria provided, single submitter. Criteria: ACMG Guidelines, 2015. Collection method: clinical testing. Allele origin: germline.

NM_000090.4(COL3A1):c.639C>A (p.Gly213=)

Gene: COL3A1 (collagen type III alpha 1 chain; plus strand). Cytogenetic location: 2q32.2.
Variant type: single nucleotide variant.
Coding change: c.639C>A on transcript NM_000090.4 (MANE Select); coding-DNA position 639, C replaced by A.
Protein change: p.Gly213=; no amino-acid change (glycine 213 retained).
Molecular consequence: synonymous variant.
Genome position (GRCh38, 1-based): chr2:188,989,398, C>A. VCF-style: chr2-188989398-C-A. GRCh37 (hg19) VCF-style: chr2-189854124-C-A.
Identifiers: ClinVar variation 1171194 (VCV001171194.3), dbSNP rs2153501865, ClinGen allele CA430308984.